The following is an entry in ClinVar:

ClinVar aggregate classification (germline): Uncertain significance (1 of 4 stars; one submission).

Submission:

Ambry Genetics
Classification: Uncertain significance. Last evaluated: 2025-01-03. Review status: criteria provided, single submitter. Criteria: Ambry Variant Classification Scheme 2023. Collection method: clinical testing. Allele origin: germline.
Comment: The p.D385G variant (also known as c.1154A>G), located in coding exon 1 of the MLH3 gene, results from an A to G substitution at nucleotide position 1154. The aspartic acid at codon 385 is replaced by glycine, an amino acid with similar properties. This amino acid position is conserved. In addition, this alteration is predicted to be tolerated by in silico analysis. Based on the available evidence, the clinical significance of this variant remains unclear.

NM_001040108.2(MLH3):c.1154A>G (p.Asp385Gly)

Gene: MLH3 (mutL homolog 3; minus strand). Cytogenetic location: 14q24.3.
Variant type: single nucleotide variant.
Coding change: c.1154A>G on transcript NM_001040108.2 (MANE Select); coding-DNA position 1154, A replaced by G.
Protein change: p.Asp385Gly; replaces aspartic acid 385 with glycine.
Molecular consequence: missense variant.
Genome position (GRCh38, 1-based): chr14:75,048,502, T>C on the plus strand (A>G on the coding strand, the complement: MLH3 is on the minus strand). VCF-style: chr14-75048502-T-C. GRCh37 (hg19) VCF-style: chr14-75515205-T-C.
Other names: c.1154A>G, p.Asp385Gly (NM_014381.3); short protein forms D385G.
Identifiers: ClinVar variation 3873443 (VCV003873443.1).